The following is an entry in ClinVar:

ClinVar aggregate classification (germline): Uncertain significance. Review status: criteria provided, multiple submitters, no conflicts (2 of 4 stars). 2 submissions from 2 submitters: Uncertain significance (2). Last evaluated 2026-08-01.

Conditions:
Hereditary spastic paraplegia 50 (SPG50). Also called: Spastic paraplegia 50, autosomal recessive. Identifiers: Orphanet 280763, MedGen C2752008, MONDO:0013048, OMIM 612936.

Submissions (2):

CeGaT Center for Human Genetics Tuebingen
Classification: Uncertain significance. Last evaluated: 2026-08-01. Review status: criteria provided, single submitter. Criteria: CeGaT Center For Human Genetics Tuebingen Variant Classification Criteria Version 2. Collection method: clinical testing. Allele origin: germline. Affected: yes. Observed: 1 variant allele.
Comment: AP4M1: PM2, PM3, PS3:Supporting

Institute for Medical Genetics and Human Genetics, Charité - Universitätsmedizin Berlin
Classification: Uncertain significance for Hereditary spastic paraplegia 50. Review status: criteria provided, single submitter. Criteria: ACMG Guidelines, 2015. Collection method: not provided. Allele origin: germline. Inheritance: Autosomal recessive inheritance. Affected: yes.

NM_004722.4(AP4M1):c.351+5G>A

Gene: AP4M1 (adaptor related protein complex 4 subunit mu 1; plus strand). Cytogenetic location: 7q22.1.
Variant type: single nucleotide variant.
Coding change: c.351+5G>A on transcript NM_004722.4 (MANE Select); 5 bases into the intron after coding-DNA position 351, G replaced by A.
Molecular consequence: intron variant.
Genome position (GRCh38, 1-based): chr7:100,102,965, G>A. VCF-style: chr7-100102965-G-A. GRCh37 (hg19) VCF-style: chr7-99700588-G-A.
Other names: c.351+5G>A (NM_001438825.1, NM_001438826.1, NM_001438828.1); c.372+5G>A (NM_001438824.1, NM_001363671.2, NM_001438827.1); c.-34+5G>A (NM_001438831.1, NM_001438832.1); c.148-444G>A (NM_001438829.1, NM_001438830.1).
Identifiers: ClinVar variation 4537428 (VCV004537428.3).
Genomic context (GRCh38, chr7:100,102,965, plus strand): 5'-AGGGGACCATCTCCCGCAATGTGGCTCTGGTATACGAACTCCTGGATGAAGTGCTGGTGA[G>A]AATCAACAATCCCCTTCTGTGGCCCCTACCCAATTCCCCTGAAGATACATCTGCTCTTCT-3'